The following is an entry in ClinVar:

NM_004385.5(VCAN):c.4900T>C (p.Ser1634Pro)

Genes: VCAN (versican; plus strand), VCAN-AS1 (VCAN antisense RNA 1; minus strand). Cytogenetic location: 5q14.3.
Variant type: single nucleotide variant.
Coding change: c.4900T>C on transcript NM_004385.5 (MANE Select); coding-DNA position 4900, T replaced by C.
Protein change: p.Ser1634Pro; replaces serine 1634 with proline.
Molecular consequence: missense variant. On other transcripts: intron variant (2).
Genome position (GRCh38, 1-based): chr5:83,537,903, T>C. VCF-style: chr5-83537903-T-C. GRCh37 (hg19) VCF-style: chr5-82833722-T-C.
Other names: c.1939T>C, p.Ser647Pro (NM_001164097.2); c.4004-7634T>C (NM_001164098.2); c.1043-7634T>C (NM_001126336.3); short protein forms S1634P, S647P.
Identifiers: ClinVar variation 1921960 (VCV001921960.5), dbSNP rs1441961905, ClinGen allele CA360309242.
Genomic context (GRCh38, chr5:83,537,903, plus strand): 5'-TCTACCAAAGAAAGCTGGGTAGAAGCAACTCCTAGACAAGTTGTAGAGCTCTCAGGGAGT[T>C]CTTCGATTCCAATTACAGAAGGCTCTGGAGAAGCAGAAGAAGATGAAGATACAATGTTCA-3'
Protein context (NP_004376.2, residues 1624-1644): PRQVVELSGS[Ser1634Pro]SIPITEGSGE

ClinVar aggregate classification (germline): Uncertain significance (1 of 4 stars; one submission).

Allele frequency attached by ClinVar (database versions not stated): gnomAD 0.00001.
gnomAD v4.1: 1 of 1,613,812 alleles (0.000062%); highest among the groups gnomAD compares: Non-Finnish European, 0.000085%; no homozygotes.

Submission:

Labcorp Genetics (formerly Invitae), Labcorp
Classification: Uncertain significance. Last evaluated: 2022-07-21. Review status: criteria provided, single submitter. Criteria: Invitae Variant Classification Sherloc (09022015). Collection method: clinical testing. Allele origin: germline.
Comment: In summary, the available evidence is currently insufficient to determine the role of this variant in disease. Therefore, it has been classified as a Variant of Uncertain Significance. Algorithms developed to predict the effect of missense changes on protein structure and function output the following: SIFT: "Tolerated"; PolyPhen-2: "Possibly Damaging"; Align-GVGD: "Class C0". The proline amino acid residue is found in multiple mammalian species, which suggests that this missense change does not adversely affect protein function. This variant has not been reported in the literature in individuals affected with VCAN-related conditions. This variant is present in population databases (no rsID available, gnomAD 0.007%). This sequence change replaces serine, which is neutral and polar, with proline, which is neutral and non-polar, at codon 1634 of the VCAN protein (p.Ser1634Pro).